The following is an entry in ClinVar:

ClinVar aggregate classification (germline): Likely benign. Review status: criteria provided, multiple submitters, no conflicts (2 of 4 stars). 2 submissions from 2 submitters: Likely benign (2). Last evaluated 2026-06-08.

Conditions:
Tumor predisposition syndrome 2 (TPDS2). Also called: MBD4-ASSOCIATED NEOPLASIA SYNDROME; MBD4-Related Tumor Predisposition Syndrome; MBD4-associated neoplasia syndrome (MANS). Identifiers: Orphanet 661526, MedGen C5774186, MONDO:0859267, OMIM 619975.

gnomAD v4.1: 35 of 1,465,990 alleles (0.0024%); highest among the groups gnomAD compares: Admixed American, 0.059%; no homozygotes.

Submissions (2):

Myriad Genetics, Inc.
Classification: Likely benign for Tumor predisposition syndrome 2. Last evaluated: 2026-06-08. Review status: criteria provided, single submitter. Criteria: Myriad Autosomal Dominant, Autosomal Recessive and X-Linked Classification Criteria (2023). Collection method: clinical testing. Allele origin: unknown.
Comment: This variant is considered likely benign. This variant is intronic and is not expected to impact mRNA splicing.

Labcorp Genetics (formerly Invitae), Labcorp
Classification: Likely benign. Last evaluated: 2026-01-31. Review status: criteria provided, single submitter. Criteria: Invitae Variant Classification Sherloc (09022015). Collection method: clinical testing. Allele origin: germline.

NM_001276270.2(MBD4):c.105-15A>G

Gene: MBD4 (methyl-CpG binding domain 4, DNA glycosylase; minus strand). Cytogenetic location: 3q21.3.
Variant type: single nucleotide variant.
Coding change: c.105-15A>G on transcript NM_001276270.2 (MANE Select); 15 bases into the intron before coding-DNA position 105, A replaced by G.
Molecular consequence: intron variant.
Genome position (GRCh38, 1-based): chr3:129,437,965, T>C on the plus strand (A>G on the coding strand, the complement: MBD4 is on the minus strand). VCF-style: chr3-129437965-T-C. GRCh37 (hg19) VCF-style: chr3-129156808-T-C.
Other names: c.105-15A>G (NM_001276273.2, NM_001276272.2, NM_003925.3 and 1 more transcripts).
Identifiers: ClinVar variation 1973596 (VCV001973596.6), dbSNP rs745532780, ClinGen allele CA2605605.